The following is an entry in ClinVar:

ClinVar aggregate classification (germline): Uncertain significance (1 of 4 stars; one submission).

gnomAD v4.1: 1 of 1,594,572 alleles (0.000063%); highest among the groups gnomAD compares: Non-Finnish European, 0.000085%; no homozygotes.

Submission:

Mayo Clinic Laboratories, Mayo Clinic
Classification: Uncertain significance. Last evaluated: 2025-10-20. Review status: criteria provided, single submitter. Criteria: ACMG Guidelines, 2015. Collection method: clinical testing. Allele origin: germline. Observed: 1 variant allele.
Comment: BP4, PM2_supporting

NM_001010874.5(TECRL):c.1070C>T (p.Ala357Val)

Gene: TECRL (trans-2,3-enoyl-CoA reductase like; minus strand). Cytogenetic location: 4q13.1.
Variant type: single nucleotide variant.
Coding change: c.1070C>T on transcript NM_001010874.5 (MANE Select); coding-DNA position 1070, C replaced by T.
Protein change: p.Ala357Val; replaces alanine 357 with valine.
Molecular consequence: missense variant. On other transcripts: intron variant (1).
Genome position (GRCh38, 1-based): chr4:64,280,094, G>A on the plus strand (C>T on the coding strand, the complement: TECRL is on the minus strand). VCF-style: chr4-64280094-G-A. GRCh37 (hg19) VCF-style: chr4-65145812-G-A.
Other names: p.Ala357Val; c.964+947C>T (NM_001363796.1); short protein forms A357V.
Identifiers: ClinVar variation 4540982 (VCV004540982.1).